The following is an entry in ClinVar:

NM_006947.4(SRP72):c.352G>C (p.Val118Leu)

Gene: SRP72 (signal recognition particle 72; plus strand). Cytogenetic location: 4q12.
Variant type: single nucleotide variant.
Coding change: c.352G>C on transcript NM_006947.4 (MANE Select); coding-DNA position 352, G replaced by C.
Protein change: p.Val118Leu; replaces valine 118 with leucine.
Molecular consequence: missense variant. On other transcripts: non-coding transcript variant (1).
Genome position (GRCh38, 1-based): chr4:56,471,841, G>C. VCF-style: chr4-56471841-G-C. GRCh37 (hg19) VCF-style: chr4-57338007-G-C.
Other names: c.352G>C, p.Val118Leu (NM_001267722.2); short protein forms V118L.
Identifiers: ClinVar variation 4589578 (VCV004589578.1).

ClinVar aggregate classification (germline): Uncertain significance (1 of 4 stars; one submission).

Submission:

Ambry Genetics
Classification: Uncertain significance. Last evaluated: 2025-09-26. Review status: criteria provided, single submitter. Criteria: Ambry Variant Classification Scheme 2023. Collection method: clinical testing. Allele origin: germline.
Comment: The p.V118L variant (also known as c.352G>C), located in coding exon 3 of the SRP72 gene, results from a G to C substitution at nucleotide position 352. The valine at codon 118 is replaced by leucine, an amino acid with highly similar properties. This amino acid position is conserved. In addition, the in silico prediction for this alteration is inconclusive. Based on the available evidence, the clinical significance of this variant remains unclear.